The following is an entry in ClinVar:

NM_006767.4(LZTR1):c.1261-2A>T

Gene: LZTR1 (leucine zipper like post translational regulator 1; plus strand). Cytogenetic location: 22q11.21.
Variant type: single nucleotide variant.
Coding change: c.1261-2A>T on transcript NM_006767.4 (MANE Select); the canonical splice acceptor site of the intron before coding-DNA position 1261, A replaced by T.
Molecular consequence: splice acceptor variant.
Genome position (GRCh38, 1-based): chr22:20,993,660, A>T. VCF-style: chr22-20993660-A-T. GRCh37 (hg19) VCF-style: chr22-21347949-A-T.
Identifiers: ClinVar variation 1763205 (VCV001763205.2), dbSNP rs759240190, ClinGen allele CA410774219.

ClinVar aggregate classification (germline): Uncertain significance (1 of 4 stars; one submission).

Conditions:
Cardiovascular phenotype. Identifiers: MedGen CN230736.
Hereditary cancer-predisposing syndrome. Also called: Neoplastic Syndromes, Hereditary; Tumor predisposition; Hereditary Cancer Syndrome; Hereditary neoplastic syndrome. Identifiers: Orphanet 140162, MedGen C0027672, MeSH D009386, MONDO:0015356.

Submission:

Ambry Genetics
Classification: Uncertain significance for Cardiovascular phenotype; Hereditary cancer-predisposing syndrome. Last evaluated: 2022-06-30. Review status: criteria provided, single submitter. Criteria: Ambry Variant Classification Scheme 2023. Collection method: clinical testing. Allele origin: germline.
Comment: The c.1261-2A>T intronic variant results from an A to T substitution two nucleotides upstream from coding exon 12 in the LZTR1 gene. Alterations that disrupt the canonical splice site are expected to result in aberrant splicing. In silico splice site analysis predicts that this alteration will weaken the native splice acceptor site and may result in the creation or strengthening of a novel splice acceptor site; however, direct evidence is insufficient at this time (Ambry internal data). The resulting transcript is predicted to be in-frame and is not expected to trigger nonsense-mediated mRNA decay; however, direct evidence is unavailable. The exact functional effect of the missing amino acids is unknown. This nucleotide position is highly conserved in available vertebrate species. Since supporting evidence is limited at this time, the clinical significance of this alteration remains unclear.